The following is an entry in ClinVar:

ClinVar aggregate classification (germline): Uncertain significance. Review status: criteria provided, multiple submitters, no conflicts (2 of 4 stars). 2 submissions from 2 submitters: Uncertain significance (2). Last evaluated 2025-10-14.

Conditions:
Desbuquois dysplasia 1 (DBQD1). Also called: DESBUQUOIS DYSPLASIA 1, KIM VARIANT; MICROMELIC DWARFISM WITH VERTEBRAL AND METAPHYSEAL ABNORMALITIES AND ADVANCED CARPOTARSAL OSSIFICATION. Identifiers: Orphanet 1425, MedGen C4012146, MONDO:0009629, OMIM 251450.
Inborn genetic diseases. Identifiers: MedGen C0950123, MeSH D030342.

Allele frequency attached by ClinVar (database versions not stated): ExAC 0.00001; gnomAD exomes 0.00001.
gnomAD v4.1: 10 of 1,613,444 alleles (0.00062%); highest among the groups gnomAD compares: African/African-American, 0.0013%; no homozygotes.

Submissions (2):

Ambry Genetics
Classification: Uncertain significance for Inborn genetic diseases. Last evaluated: 2025-10-14. Review status: criteria provided, single submitter. Criteria: Ambry Variant Classification Scheme 2023. Collection method: clinical testing. Allele origin: germline.

Labcorp Genetics (formerly Invitae), Labcorp
Classification: Uncertain significance for Desbuquois dysplasia 1. Last evaluated: 2022-06-26. Review status: criteria provided, single submitter. Criteria: Invitae Variant Classification Sherloc (09022015). Collection method: clinical testing. Allele origin: germline.
Comment: Algorithms developed to predict the effect of missense changes on protein structure and function (SIFT, PolyPhen-2, Align-GVGD) all suggest that this variant is likely to be tolerated. In summary, the available evidence is currently insufficient to determine the role of this variant in disease. Therefore, it has been classified as a Variant of Uncertain Significance. This variant has not been reported in the literature in individuals affected with XYLT1-related conditions. This variant is present in population databases (rs763468294, gnomAD 0.004%). This sequence change replaces methionine, which is neutral and non-polar, with valine, which is neutral and non-polar, at codon 680 of the XYLT1 protein (p.Met680Val).

NM_022166.4(XYLT1):c.2038A>G (p.Met680Val)

Gene: XYLT1 (xylosyltransferase 1; minus strand). Cytogenetic location: 16p12.3.
Variant type: single nucleotide variant.
Coding change: c.2038A>G on transcript NM_022166.4 (MANE Select); coding-DNA position 2038, A replaced by G.
Protein change: p.Met680Val; replaces methionine 680 with valine.
Molecular consequence: missense variant.
Genome position (GRCh38, 1-based): chr16:17,127,851, T>C on the plus strand (A>G on the coding strand, the complement: XYLT1 is on the minus strand). VCF-style: chr16-17127851-T-C. GRCh37 (hg19) VCF-style: chr16-17221708-T-C.
Other names: c.2038A>G (NM_022166.3); short protein forms M680V.
Identifiers: ClinVar variation 1929257 (VCV001929257.6), dbSNP rs763468294, ClinGen allele CA7927675.